The following is an entry in ClinVar:

ClinVar aggregate classification (germline): Uncertain significance (1 of 4 stars; one submission).

Allele frequency attached by ClinVar (database versions not stated): gnomAD exomes below 0.00001.
gnomAD v4.1: 1 of 1,339,172 alleles (0.000075%); highest among the groups gnomAD compares: Non-Finnish European, 0.000099%; no homozygotes.

Submission:

Labcorp Genetics (formerly Invitae), Labcorp
Classification: Uncertain significance. Last evaluated: 2022-04-12. Review status: criteria provided, single submitter. Criteria: Invitae Variant Classification Sherloc (09022015). Collection method: clinical testing. Allele origin: germline.
Comment: In summary, the available evidence is currently insufficient to determine the role of this variant in disease. Therefore, it has been classified as a Variant of Uncertain Significance. Algorithms developed to predict the effect of missense changes on protein structure and function (SIFT, PolyPhen-2, Align-GVGD) all suggest that this variant is likely to be disruptive. This variant has not been reported in the literature in individuals affected with TBCK-related conditions. This variant is not present in population databases (gnomAD no frequency). This sequence change replaces isoleucine, which is neutral and non-polar, with threonine, which is neutral and polar, at codon 151 of the TBCK protein (p.Ile151Thr).

NM_001163435.3(TBCK):c.452T>C (p.Ile151Thr)

Gene: TBCK (TBC1 domain containing kinase; minus strand). Cytogenetic location: 4q24.
Variant type: single nucleotide variant.
Coding change: c.452T>C on transcript NM_001163435.3 (MANE Select); coding-DNA position 452, T replaced by C.
Protein change: p.Ile151Thr; replaces isoleucine 151 with threonine.
Molecular consequence: missense variant. On other transcripts: 5 prime UTR variant (1), intron variant (1).
Genome position (GRCh38, 1-based): chr4:106,260,440, A>G on the plus strand (T>C on the coding strand, the complement: TBCK is on the minus strand). VCF-style: chr4-106260440-A-G. GRCh37 (hg19) VCF-style: chr4-107181597-A-G.
Other names: c.452T>C, p.Ile151Thr (NM_001163436.4, NM_001163437.3); c.-166T>C (NM_001290768.2); c.267-8433T>C (NM_033115.5); short protein forms I151T.
Identifiers: ClinVar variation 2125671 (VCV002125671.3), dbSNP rs2478404203, ClinGen allele CA357969943.